The following is an entry in ClinVar:

NM_016628.5(WAC):c.1349dup (p.Tyr450Ter)

Gene: WAC (WW domain containing adaptor with coiled-coil; plus strand). Cytogenetic location: 10p12.1.
Variant type: Duplication.
Coding change: c.1349dup on transcript NM_016628.5 (MANE Select); coding-DNA position 1349, one base duplicated (A; older notation c.1349dupA).
Protein change: p.Tyr450Ter; replaces tyrosine 450 with a stop codon.
Molecular consequence: nonsense.
Genome position (GRCh38, 1-based): chr10:28,611,834, A duplicated. VCF-style (leftmost placement, unchanged base first): chr10-28611833-T-TA. GRCh37 (hg19) VCF-style: chr10-28900762-T-TA.
Other names: c.1349dupA (NM_016628.5); c.1214dup, p.Tyr405Ter (NM_100264.3); c.1040dup, p.Tyr347Ter (NM_100486.4); short protein forms Y347*, Y405*, Y450*.
Identifiers: ClinVar variation 2637828 (VCV002637828.1), dbSNP rs2492159830, ClinGen allele CA2695199464.

ClinVar aggregate classification (germline): Pathogenic (1 of 4 stars; one submission).

Conditions:
DeSanto-Shinawi syndrome due to WAC point mutation (DESSH). Also called: DEVELOPMENTAL DELAY, BEHAVIORAL ABNORMALITIES, FACIAL DYSMORPHISM, AND OCULAR ABNORMALITIES; Facial dysmorphism-developmental delay-behavioral abnormalities syndrome due to WAC point mutation; WAC-Related Intellectual Disability. Identifiers: Orphanet 284169, Orphanet 466950, MedGen C5681129, MONDO:0014741, OMIM 616708.

Submission:

Women's Health and Genetics/Laboratory Corporation of America, LabCorp
Classification: Pathogenic for DeSanto-Shinawi syndrome. Last evaluated: 2023-10-19. Review status: criteria provided, single submitter. Criteria: LabCorp Variant Classification Summary - May 2015. Collection method: clinical testing. Allele origin: germline.
Comment: Variant summary: WAC c.1349dupA (p.Tyr450X) results in a premature termination codon, predicted to cause absence of the protein due to nonsense mediated decay, which is a commonly known mechanism for disease. The variant was absent in 251450 control chromosomes (gnomAD). To our knowledge, no occurrence of c.1349dupA in individuals affected with Desanto-Shinawi Syndrome and no experimental evidence demonstrating its impact on protein function have been reported. No submitters have cited clinical-significance assessments for this variant to ClinVar after 2014. Based on the evidence outlined above, the variant was classified as pathogenic.